The following is an entry in ClinVar:

Single allele

Genes: CHTOP (chromatin target of PRMT1; plus strand), ILF2 (interleukin enhancer binding factor 2; minus strand), INTS3 (integrator complex subunit 3; plus strand), NPR1 (natriuretic peptide receptor 1; plus strand), SNAPIN (SNAP associated protein; plus strand). Cytogenetic location: 1q21.3.
Variant type: Duplication.
Identifiers: ClinVar variation 560079 (VCV000560079.3).

ClinVar aggregate classification (germline): Uncertain significance (1 of 4 stars; one submission).

Submission:

Geisinger Autism and Developmental Medicine Institute, Geisinger Health System
Classification: Uncertain significance. Last evaluated: 2016-12-08. Review status: criteria provided, single submitter. Criteria: ACMG CNV Guidelines, 2011. Collection method: provider interpretation. Allele origin: paternal.